The following is an entry in ClinVar:

ClinVar aggregate classification (germline): Uncertain significance (1 of 4 stars; one submission).

Submission:

Labcorp Genetics (formerly Invitae), Labcorp
Classification: Uncertain significance. Last evaluated: 2022-07-18. Review status: criteria provided, single submitter. Criteria: Invitae Variant Classification Sherloc (09022015). Collection method: clinical testing. Allele origin: germline.
Comment: In summary, the available evidence is currently insufficient to determine the role of this variant in disease. Therefore, it has been classified as a Variant of Uncertain Significance. Algorithms developed to predict the effect of missense changes on protein structure and function are either unavailable or do not agree on the potential impact of this missense change (SIFT: "Deleterious"; PolyPhen-2: "Probably Damaging"; Align-GVGD: "Class C15"). This variant has not been reported in the literature in individuals affected with COL7A1-related conditions. This variant is not present in population databases (gnomAD no frequency). This sequence change replaces glutamic acid, which is acidic and polar, with glycine, which is neutral and non-polar, at codon 2311 of the COL7A1 protein (p.Glu2311Gly).

NM_000094.4(COL7A1):c.6932A>G (p.Glu2311Gly)

Gene: COL7A1 (collagen type VII alpha 1 chain; minus strand). Cytogenetic location: 3p21.31.
Variant type: single nucleotide variant.
Coding change: c.6932A>G on transcript NM_000094.4 (MANE Select); coding-DNA position 6932, A replaced by G.
Protein change: p.Glu2311Gly; replaces glutamic acid 2311 with glycine.
Molecular consequence: missense variant.
Genome position (GRCh38, 1-based): chr3:48,572,507, T>C on the plus strand (A>G on the coding strand, the complement: COL7A1 is on the minus strand). VCF-style: chr3-48572507-T-C. GRCh37 (hg19) VCF-style: chr3-48609940-T-C.
Other names: short protein forms E2311G.
Identifiers: ClinVar variation 1717755 (VCV001717755.5), dbSNP rs2530904198, ClinGen allele CA352652875.